The following is an entry in ClinVar:

NM_000601.6(HGF):c.503G>A (p.Arg168Gln)

Gene: HGF (hepatocyte growth factor; minus strand). Cytogenetic location: 7q21.11.
Variant type: single nucleotide variant.
Coding change: c.503G>A on transcript NM_000601.6 (MANE Select); coding-DNA position 503, G replaced by A.
Protein change: p.Arg168Gln; replaces arginine 168 with glutamine.
Molecular consequence: missense variant.
Genome position (GRCh38, 1-based): chr7:81,752,242, C>T on the plus strand (G>A on the coding strand, the complement: HGF is on the minus strand). VCF-style: chr7-81752242-C-T. GRCh37 (hg19) VCF-style: chr7-81381558-C-T.
Other names: c.503G>A, p.Arg168Gln (NM_001010931.3, NM_001010934.3); c.488G>A, p.Arg163Gln (NM_001010932.3, NM_001010933.3); short protein forms R163Q, R168Q.
Identifiers: ClinVar variation 3367898 (VCV003367898.1).
Genomic context (GRCh38, chr7:81,752,242, plus strand): 5'-CAGGGTCCCCCTTCTTCCCCTCGAGGATTTCGACAGTAGTTTTCCTGTAGGTCTTTACCC[C>T]GATAGCTCGAAGGCAAAAAGCTAGTTTTAAAATGATAATCATTACAGTATAAGAGCATGC-3'
Protein context (NP_000592.3, residues 158-178): HEHSFLPSSY[Arg168Gln]GKDLQENYCR

ClinVar aggregate classification (germline): Uncertain significance (1 of 4 stars; one submission).

Submission:

GeneDx
Classification: Uncertain significance. Last evaluated: 2024-01-11. Review status: criteria provided, single submitter. Criteria: GeneDx Variant Classification Process June 2021. Collection method: clinical testing. Allele origin: germline. Affected: yes.
Comment: Not observed at significant frequency in large population cohorts (gnomAD); In silico analysis supports that this missense variant does not alter protein structure/function; However, in silico analysis supports a deleterious effect on splicing; Has not been previously published as pathogenic or benign to our knowledge